The following is an entry in ClinVar:

NM_022132.5(MCCC2):c.560A>G (p.Asp187Gly)

Gene: MCCC2 (methylcrotonyl-CoA carboxylase subunit 2; plus strand). Cytogenetic location: 5q13.2.
Variant type: single nucleotide variant.
Coding change: c.560A>G on transcript NM_022132.5 (MANE Select); coding-DNA position 560, A replaced by G.
Protein change: p.Asp187Gly; replaces aspartic acid 187 with glycine.
Molecular consequence: missense variant.
Genome position (GRCh38, 1-based): chr5:71,604,404, A>G. VCF-style: chr5-71604404-A-G. GRCh37 (hg19) VCF-style: chr5-70900231-A-G.
Other names: c.560A>G, p.Asp187Gly (NM_001363147.1); short protein forms D187G.
Identifiers: ClinVar variation 2052155 (VCV002052155.4), dbSNP rs1745583024, ClinGen allele CA360011874.

ClinVar aggregate classification (germline): Uncertain significance (1 of 4 stars; one submission).

Conditions:
3-methylcrotonyl-CoA carboxylase 2 deficiency. Also called: METHYLCROTONYLGLYCINURIA, TYPE II; 3 alpha methylcrotonyl-CoA carboxylase 2 deficiency; 3 alpha methylcrotonylglycinuria 2; MCC 2 deficiency; Methylcrotonylglycinuria type 2. Identifiers: Orphanet 6, MedGen C1859499, MONDO:0008862, OMIM 210210.

gnomAD v4.1: 1 of 1,614,148 alleles (0.000062%); highest among the groups gnomAD compares: East Asian, 0.0022%; no homozygotes.

Submission:

Labcorp Genetics (formerly Invitae), Labcorp
Classification: Uncertain significance for 3-methylcrotonyl-CoA carboxylase 2 deficiency. Last evaluated: 2023-10-13. Review status: criteria provided, single submitter. Criteria: Invitae Variant Classification Sherloc (09022015). Collection method: clinical testing. Allele origin: germline.
Comment: This sequence change replaces aspartic acid, which is acidic and polar, with glycine, which is neutral and non-polar, at codon 187 of the MCCC2 protein (p.Asp187Gly). This variant is not present in population databases (gnomAD no frequency). This variant has not been reported in the literature in individuals affected with MCCC2-related conditions. ClinVar contains an entry for this variant (Variation ID: 2052155). Advanced modeling of protein sequence and biophysical properties (such as structural, functional, and spatial information, amino acid conservation, physicochemical variation, residue mobility, and thermodynamic stability) performed at Invitae indicates that this missense variant is expected to disrupt MCCC2 protein function. In summary, the available evidence is currently insufficient to determine the role of this variant in disease. Therefore, it has been classified as a Variant of Uncertain Significance.